The following is an entry in ClinVar:

ClinVar aggregate classification (germline): Uncertain significance (1 of 4 stars; one submission).

Submission:

Labcorp Genetics (formerly Invitae), Labcorp
Classification: Uncertain significance. Last evaluated: 2024-04-14. Review status: criteria provided, single submitter. Criteria: Invitae Variant Classification Sherloc (09022015). Collection method: clinical testing. Allele origin: germline.
Comment: This sequence change replaces glycine, which is neutral and non-polar, with glutamic acid, which is acidic and polar, at codon 84 of the CAMK2G protein (p.Gly84Glu). This variant is not present in population databases (gnomAD no frequency). This variant has not been reported in the literature in individuals affected with CAMK2G-related conditions. An algorithm developed to predict the effect of missense changes on protein structure and function (PolyPhen-2) suggests that this variant is likely to be disruptive. In summary, the available evidence is currently insufficient to determine the role of this variant in disease. Therefore, it has been classified as a Variant of Uncertain Significance.

NM_001367534.1(CAMK2G):c.251G>A (p.Gly84Glu)

Gene: CAMK2G (calcium/calmodulin dependent protein kinase II gamma; minus strand). Cytogenetic location: 10q22.2.
Variant type: single nucleotide variant.
Coding change: c.251G>A on transcript NM_001367534.1 (MANE Select); coding-DNA position 251, G replaced by A.
Protein change: p.Gly84Glu; replaces glycine 84 with glutamic acid.
Molecular consequence: missense variant. On other transcripts: 5 prime UTR variant (2), non-coding transcript variant (6), intron variant (4).
Genome position (GRCh38, 1-based): chr10:73,853,216, C>T on the plus strand (G>A on the coding strand, the complement: CAMK2G is on the minus strand). VCF-style: chr10-73853216-C-T. GRCh37 (hg19) VCF-style: chr10-75612974-C-T.
Other names: c.251G>A, p.Gly84Glu (NM_001204492.2, NM_001222.4, NM_001320898.2 and 28 more transcripts); c.227G>A, p.Gly76Glu (NM_001367514.1, NM_001367525.1, NM_001367532.1); c.-321G>A (NM_001367540.1); c.-503G>A (NM_001367542.1); c.30-3883G>A (NM_001367537.1, NM_001367538.1); c.30-897G>A (NM_001367539.1, NM_001367524.1); short protein forms G84E, G76E.
Identifiers: ClinVar variation 3649872 (VCV003649872.2).